The following is an entry in ClinVar:

ClinVar aggregate classification (germline): Uncertain significance (1 of 4 stars; one submission).

Submission:

Labcorp Genetics (formerly Invitae), Labcorp
Classification: Uncertain significance. Last evaluated: 2022-02-09. Review status: criteria provided, single submitter. Criteria: Invitae Variant Classification Sherloc (09022015). Collection method: clinical testing. Allele origin: germline.
Comment: In summary, the available evidence is currently insufficient to determine the role of this variant in disease. Therefore, it has been classified as a Variant of Uncertain Significance. Algorithms developed to predict the effect of missense changes on protein structure and function are either unavailable or do not agree on the potential impact of this missense change (SIFT: "Deleterious"; PolyPhen-2: "Benign"; Align-GVGD: "Class C0"). ClinVar contains an entry for this variant (Variation ID: 839635). This variant has not been reported in the literature in individuals affected with PDE6C-related conditions. This variant is not present in population databases (gnomAD no frequency). This sequence change replaces asparagine, which is neutral and polar, with lysine, which is basic and polar, at codon 478 of the PDE6C protein (p.Asn478Lys).

NM_006204.4(PDE6C):c.1434T>G (p.Asn478Lys)

Gene: PDE6C (phosphodiesterase 6C; plus strand). Cytogenetic location: 10q23.33.
Variant type: single nucleotide variant.
Coding change: c.1434T>G on transcript NM_006204.4 (MANE Select); coding-DNA position 1434, T replaced by G.
Protein change: p.Asn478Lys; replaces asparagine 478 with lysine.
Molecular consequence: missense variant.
Genome position (GRCh38, 1-based): chr10:93,637,015, T>G. VCF-style: chr10-93637015-T-G. GRCh37 (hg19) VCF-style: chr10-95396772-T-G.
Other names: short protein forms N478K.
Identifiers: ClinVar variation 839635 (VCV000839635.9), dbSNP rs760921285, ClinGen allele CA377616176.